The following is an entry in ClinVar:

NM_016169.4(SUFU):c.1159G>A (p.Gly387Ser)

Gene: SUFU (SUFU negative regulator of hedgehog signaling; plus strand). Cytogenetic location: 10q24.32.
Variant type: single nucleotide variant.
Coding change: c.1159G>A on transcript NM_016169.4 (MANE Select); coding-DNA position 1159, G replaced by A.
Protein change: p.Gly387Ser; replaces glycine 387 with serine.
Molecular consequence: missense variant.
Genome position (GRCh38, 1-based): chr10:102,617,291, G>A. VCF-style: chr10-102617291-G-A. GRCh37 (hg19) VCF-style: chr10-104377048-G-A.
Other names: c.1159G>A, p.Gly387Ser (NM_001178133.2); short protein forms G387S.
Identifiers: ClinVar variation 2043163 (VCV002043163.4), dbSNP rs2135934864, ClinGen allele CA377914981.

ClinVar aggregate classification (germline): Uncertain significance (1 of 4 stars; one submission).

Conditions:
Medulloblastoma (MDB). Also called: Medulloblastoma, somatic; MEDULLOBLASTOMA PREDISPOSITION SYNDROME. Identifiers: Orphanet 616, MedGen C0025149, MeSH D008527, MONDO:0007959, OMIM 155255, HP:0002885.
Gorlin syndrome. Also called: Basal cell nevus syndrome; Nevoid Basal Cell Carcinoma Syndrome. Identifiers: Orphanet 377, MedGen C0004779, MONDO:0007187.

Submission:

Labcorp Genetics (formerly Invitae), Labcorp
Classification: Uncertain significance for Gorlin syndrome; Medulloblastoma. Last evaluated: 2021-12-15. Review status: criteria provided, single submitter. Criteria: Invitae Variant Classification Sherloc (09022015). Collection method: clinical testing. Allele origin: germline.
Comment: This sequence change replaces glycine, which is neutral and non-polar, with serine, which is neutral and polar, at codon 387 of the SUFU protein (p.Gly387Ser). In summary, the available evidence is currently insufficient to determine the role of this variant in disease. Therefore, it has been classified as a Variant of Uncertain Significance. Algorithms developed to predict the effect of missense changes on protein structure and function are either unavailable or do not agree on the potential impact of this missense change (SIFT: "Tolerated"; PolyPhen-2: "Probably Damaging"; Align-GVGD: "Class C0"). This variant has not been reported in the literature in individuals affected with SUFU-related conditions. This variant is not present in population databases (gnomAD no frequency).